The following is an entry in ClinVar:

NM_001122630.2(CDKN1C):c.11T>C (p.Leu4Pro)

Gene: CDKN1C (cyclin dependent kinase inhibitor 1C; minus strand). Cytogenetic location: 11p15.4.
Variant type: single nucleotide variant.
Coding change: c.11T>C on transcript NM_001122630.2 (MANE Select); coding-DNA position 11, T replaced by C.
Protein change: p.Leu4Pro; replaces leucine 4 with proline.
Molecular consequence: missense variant.
Genome position (GRCh38, 1-based): chr11:2,885,446, A>G on the plus strand (T>C on the coding strand, the complement: CDKN1C is on the minus strand). VCF-style: chr11-2885446-A-G. GRCh37 (hg19) VCF-style: chr11-2906676-A-G.
Other names: c.44T>C, p.Leu15Pro (LRG_533t1, NM_000076.2, NM_001362474.2); c.11T>C, p.Leu4Pro (NM_001122631.2, NM_001362475.2); short protein forms L15P, L4P.
Identifiers: ClinVar variation 648099 (VCV000648099.10), dbSNP rs756961090, ClinGen allele CA5822249.
Genomic context (GRCh38, chr11:2,885,446, plus strand): 5'-CCGAAGAGGCTGCGGCAGGCGCTGGTGCGCACTAGTACTGGGAAGGTCCCACGGGCGACA[A>G]GACGCTCCATCGTGGATGTGCTGCGGAGGGACGCGTCGGACATGGCCCGGGGCTGCGCAA-3'
Protein context (NP_001116102.1, residues 1-14): MER[Leu4Pro]VARGTFPVLV

ClinVar aggregate classification (germline): Uncertain significance. Review status: criteria provided, multiple submitters, no conflicts (2 of 4 stars). 2 submissions from 2 submitters: Uncertain significance (2). Last evaluated 2023-11-02.

Conditions:
Beckwith-Wiedemann syndrome (BWS). Also called: Exomphalos macroglossia gigantism syndrome; EMG SYNDROME. Identifiers: Orphanet 116, MedGen C0004903, MONDO:0007534, OMIM 130650.

Allele frequency attached by ClinVar (database versions not stated): ExAC below 0.00001; gnomAD exomes below 0.00001; gnomAD 0.00001; 1000 Genomes Project 30x 0.00016.
gnomAD v4.1: 2 of 1,547,174 alleles (0.00013%); highest among the groups gnomAD compares: African/African-American, 0.0014%; no homozygotes.

Submissions (2):

Labcorp Genetics (formerly Invitae), Labcorp
Classification: Uncertain significance for Beckwith-Wiedemann syndrome. Last evaluated: 2023-11-02. Review status: criteria provided, single submitter. Criteria: Invitae Variant Classification Sherloc (09022015). Collection method: clinical testing. Allele origin: germline.
Comment: This sequence change replaces leucine, which is neutral and non-polar, with proline, which is neutral and non-polar, at codon 15 of the CDKN1C protein (p.Leu15Pro). This variant is not present in population databases (gnomAD no frequency). This variant has not been reported in the literature in individuals affected with CDKN1C-related conditions. ClinVar contains an entry for this variant (Variation ID: 648099). Advanced modeling of protein sequence and biophysical properties (such as structural, functional, and spatial information, amino acid conservation, physicochemical variation, residue mobility, and thermodynamic stability) has been performed at Invitae for this missense variant, however the output from this modeling did not meet the statistical confidence thresholds required to predict the impact of this variant on CDKN1C protein function. In summary, the available evidence is currently insufficient to determine the role of this variant in disease. Therefore, it has been classified as a Variant of Uncertain Significance.

Sema4
Classification: Uncertain significance for Beckwith-Wiedemann syndrome. Last evaluated: 2022-02-10. Review status: criteria provided, single submitter. Criteria: Sema4 Curation Guidelines. Collection method: curation. Allele origin: germline.
Comment: The CDKN1C c.44T>C (p.L15P) variant has not been reported in the literature to our knowledge. It was not observed in the large and broad cohorts of the Genome Aggregation Database (PMID: 32461654). This variant has been reported in ClinVar (Variation ID 648099). Functional studies have not been performed, and in silico predictions of the variant's effect on protein function are inconclusive. The evidence is insufficient to meet ACMG/AMP criteria for classifying the variant as benign or pathogenic. Thus, the clinical significance of this variant is currently uncertain.